The following is an entry in ClinVar:

ClinVar aggregate classification (germline): Uncertain significance (1 of 4 stars; one submission).

Conditions:
Osteogenesis imperfecta type I (OI1). Also called: Lobstein's Disease; Classic Non-deforming Osteogenesis Imperfecta with Blue Sclerae; OI, TYPE I; OSTEOGENESIS IMPERFECTA TARDA; OSTEOGENESIS IMPERFECTA WITH BLUE SCLERAE; Osteogenesis imperfecta type 1. Identifiers: Orphanet 216796, Orphanet 666, MedGen C0023931, MONDO:0008146, OMIM 166200. Disease mechanism: loss of function.

Submission:

Labcorp Genetics (formerly Invitae), Labcorp
Classification: Uncertain significance for Osteogenesis imperfecta type I. Last evaluated: 2021-12-14. Review status: criteria provided, single submitter. Criteria: Invitae Variant Classification Sherloc (09022015). Collection method: clinical testing. Allele origin: germline.
Comment: Advanced modeling of protein sequence and biophysical properties (such as structural, functional, and spatial information, amino acid conservation, physicochemical variation, residue mobility, and thermodynamic stability) performed at Invitae indicates that this missense variant is not expected to disrupt COL1A1 protein function. This variant has not been reported in the literature in individuals affected with COL1A1-related conditions. This variant is not present in population databases (gnomAD no frequency). This sequence change replaces valine, which is neutral and non-polar, with leucine, which is neutral and non-polar, at codon 41 of the COL1A1 protein (p.Val41Leu). In summary, the available evidence is currently insufficient to determine the role of this variant in disease. Therefore, it has been classified as a Variant of Uncertain Significance.

NM_000088.4(COL1A1):c.121G>T (p.Val41Leu)

Gene: COL1A1 (collagen type I alpha 1 chain; minus strand). Cytogenetic location: 17q21.33.
Variant type: single nucleotide variant.
Coding change: c.121G>T on transcript NM_000088.4 (MANE Select); coding-DNA position 121, G replaced by T.
Protein change: p.Val41Leu; replaces valine 41 with leucine.
Molecular consequence: missense variant.
Genome position (GRCh38, 1-based): chr17:50,199,930, C>A on the plus strand (G>T on the coding strand, the complement: COL1A1 is on the minus strand). VCF-style: chr17-50199930-C-A. GRCh37 (hg19) VCF-style: chr17-48277291-C-A.
Other names: short protein forms V41L.
Identifiers: ClinVar variation 1483502 (VCV001483502.6), dbSNP rs2144594757, ClinGen allele CA400228668.
Genomic context (GRCh38, chr17:50,199,930, plus strand): 5'-AGATCCGGCAGGGCTCGGGTTTCCACACGTCTCGGTCATGGTACCTGAGGCCGTTCTGTA[C>A]GCAGGTGATTGGTGGGACTGGGACAGGCGGAAGAGGGGCGTTGTCAGTAGTGACTGCAAC-3'
Protein context (NP_000079.2, residues 31-51): QDEDIPPITC[Val41Leu]QNGLRYHDRD